The following is an entry in ClinVar:

NM_020778.5(ALPK3):c.4336G>T (p.Val1446Leu)

Gene: ALPK3 (alpha kinase 3; plus strand). Cytogenetic location: 15q25.3.
Variant type: single nucleotide variant.
Coding change: c.4336G>T on transcript NM_020778.5 (MANE Select); coding-DNA position 4336, G replaced by T.
Protein change: p.Val1446Leu; replaces valine 1446 with leucine.
Molecular consequence: missense variant.
Genome position (GRCh38, 1-based): chr15:84,862,841, G>T. VCF-style: chr15-84862841-G-T. GRCh37 (hg19) VCF-style: chr15-85406072-G-T.
Other names: short protein forms V1446L.
Identifiers: ClinVar variation 1392285 (VCV001392285.6), dbSNP rs1963963607, ClinGen allele CA393363259.
Genomic context (GRCh38, chr15:84,862,841, plus strand): 5'-GCCAAGGTCATCTACGGGCTGGAACCCATCTTCGAGTCGGGCCGCACGTGCATCATCAAG[G>T]TGTCCAGCCTGCTTGTGTTTGGGCCCAGCAGTGAGACTTCTCTTGTGGGCAGAAACTACG-3'
Protein context (NP_065829.4, residues 1436-1456): FESGRTCIIK[Val1446Leu]SSLLVFGPSS

ClinVar aggregate classification (germline): Uncertain significance (1 of 4 stars; one submission).

Submission:

Labcorp Genetics (formerly Invitae), Labcorp
Classification: Uncertain significance. Last evaluated: 2021-11-09. Review status: criteria provided, single submitter. Criteria: Invitae Variant Classification Sherloc (09022015). Collection method: clinical testing. Allele origin: germline.
Comment: This variant is not present in population databases (gnomAD no frequency). This sequence change replaces valine, which is neutral and non-polar, with leucine, which is neutral and non-polar, at codon 1648 of the ALPK3 protein (p.Val1648Leu). This variant has not been reported in the literature in individuals affected with ALPK3-related conditions. In summary, the available evidence is currently insufficient to determine the role of this variant in disease. Therefore, it has been classified as a Variant of Uncertain Significance. Algorithms developed to predict the effect of missense changes on protein structure and function are either unavailable or do not agree on the potential impact of this missense change (SIFT: "Deleterious"; PolyPhen-2: "Probably Damaging"; Align-GVGD: "Class C0").